The following is an entry in ClinVar:

NM_001267550.2(TTN):c.46865del (p.Phe15622fs)

Genes: TTN-AS1 (TTN antisense RNA 1; plus strand), TTN (titin; minus strand). Cytogenetic location: 2q31.2.
Variant type: Deletion.
Coding change: c.46865del on transcript NM_001267550.2 (MANE Select); coding-DNA position 46865, one base deleted (T; older notation c.46865delT).
Protein change: p.Phe15622fs; shifts the reading frame from phenylalanine 15622.
Molecular consequence: frameshift variant.
Genome position (GRCh38, 1-based): chr2:178,618,685, A deleted on the plus strand (T on the coding strand, the reverse complement: TTN is on the minus strand); the first of 3 consecutive A bases (chr2:178,618,685-178,618,687); deleting any one gives the same sequence. VCF-style (leftmost placement, unchanged base first): chr2-178618684-GA-G. GRCh37 (hg19) VCF-style: chr2-179483411-GA-G.
Other names: c.41942del, p.Phe13981fs (NM_001256850.1); c.19670del, p.Phe6557fs (NM_003319.4); c.39161del, p.Phe13054fs (NM_133378.4); c.20045del, p.Phe6682fs (NM_133432.3); c.20246del, p.Phe6749fs (NM_133437.4); short protein forms F6557fs, F6682fs, F6749fs, F13054fs, F13981fs, F15622fs.
Identifiers: ClinVar variation 2954308 (VCV002954308.3), dbSNP rs2470912021, ClinGen allele CA2740096130.

ClinVar aggregate classification (germline): Likely pathogenic (1 of 4 stars; one submission).

Conditions:
Autosomal recessive limb-girdle muscular dystrophy type 2J (LGMDR10). Also called: Limb-girdle muscular dystrophy, type 2J; MUSCULAR DYSTROPHY, LIMB-GIRDLE, AUTOSOMAL RECESSIVE 10. Identifiers: Orphanet 140922, MedGen C1837342, MONDO:0012127, OMIM 608807.
Dilated cardiomyopathy 1G (CMD1G). Identifiers: Orphanet 154, MedGen C1858763, MONDO:0011400, OMIM 604145.

Submission:

Labcorp Genetics (formerly Invitae), Labcorp
Classification: Likely pathogenic for Dilated cardiomyopathy 1G; Autosomal recessive limb-girdle muscular dystrophy type 2J. Last evaluated: 2023-11-29. Review status: criteria provided, single submitter. Criteria: Invitae Variant Classification Sherloc (09022015). Collection method: clinical testing. Allele origin: germline.
Comment: This sequence change creates a premature translational stop signal (p.Phe15622Serfs*4) in the TTN gene. While this is not anticipated to result in nonsense mediated decay, it is expected to create a truncated TTN protein. This variant is not present in population databases (gnomAD no frequency). This variant has not been reported in the literature in individuals affected with TTN-related conditions. This variant is located in the I band of TTN (PMID: 25589632). Truncating variants in this region have been reported in individuals affected with autosomal recessive centronuclear myopathy (PMID: 23975875). Truncating variants in this region have also been identified in individuals affected with autosomal dominant dilated cardiomyopathy and/or cardio-related conditions (PMID: 27869827, 32964742). In summary, the currently available evidence indicates that the variant is pathogenic, but additional data are needed to prove that conclusively. Therefore, this variant has been classified as Likely Pathogenic.

Literature cited by the submitters: PubMed 25589632; PubMed 23975875; PubMed 27869827; PubMed 32964742.